The following is an entry in ClinVar:

ClinVar aggregate classification (germline): Pathogenic. Review status: criteria provided, multiple submitters, no conflicts (2 of 4 stars). 2 submissions from 2 submitters: Pathogenic (2). Last evaluated 2025-12-17.

Conditions:
Peutz-Jeghers syndrome (PJS). Also called: POLYPOSIS, HAMARTOMATOUS INTESTINAL; POLYPS-AND-SPOTS SYNDROME; Peutz-Jeghers polyposis; Periorificial lentiginosis syndrome. Identifiers: Orphanet 2869, MedGen C0031269, MeSH D010580, MONDO:0008280, OMIM 175200.

Submissions (2):

Labcorp Genetics (formerly Invitae), Labcorp
Classification: Pathogenic for Peutz-Jeghers syndrome. Last evaluated: 2025-12-17. Review status: criteria provided, single submitter. Criteria: Invitae Variant Classification Sherloc (09022015). Collection method: clinical testing. Allele origin: germline.
Comment: This sequence change creates a premature translational stop signal (p.Asp258Thrfs*29) in the STK11 gene. It is expected to result in an absent or disrupted protein product. Loss-of-function variants in STK11 are known to be pathogenic (PMID: 15188174, 16287113). This variant is not present in population databases (gnomAD no frequency). This variant has not been reported in the literature in individuals affected with STK11-related conditions. ClinVar contains an entry for this variant (Variation ID: 811295). For these reasons, this variant has been classified as Pathogenic.

ARUP Laboratories, Molecular Genetics and Genomics, ARUP Laboratories
Classification: Pathogenic. Last evaluated: 2019-02-07. Review status: criteria provided, single submitter. Criteria: ARUP Molecular Germline Variant Investigation Process. Collection method: clinical testing. Allele origin: germline.
Comment: The STK11 c.772delG; p.Asp258fs variant, to our knowledge, is not reported in the medical literature or gene specific databases in association with Peutz-Jeghers syndrome, though one study observed this variant in a fibrotic lung cancer sample (Guyard 2017). This variant is absent from general population databases (Exome Variant Server, Genome Aggregation Database), indicating it is not a common polymorphism. This variant causes a frameshift by deleting a single nucleotide, so it is predicted to result in a truncated protein or mRNA subject to nonsense-mediated decay. Additionally, STK11 loss-of-function is a known mechanism of disease, and truncating variants downstream of the p.Asp258fs variant have been reported in individuals diagnosed with Peutz-Jeghers syndrome (Borun 2013, Lim 2004). Based on available information, this variant is considered to be pathogenic. References: Borun P et al. High Resolution Melting analysis as a rapid and efficient method of screening for small mutations in the STK11 gene in patients with Peutz-Jeghers syndrome. BMC Med Genet. 2013 May 30;14:58. Guyard et al. Morphologic and molecular study of lung cancers associated with idiopathic pulmonary fibrosis and other pulmonary fibroses. Respir Res. 2017 Jun 15;18(1):120. Lim W et al. Relative frequency and morphology of cancers in STK11 mutation carriers. Gastroenterology. 2004 Jun;126(7):1788-94.

Literature cited by the submitters: PubMed 15188174 (cited by Labcorp Genetics (formerly Invitae), Labcorp); PubMed 16287113 (cited by Labcorp Genetics (formerly Invitae), Labcorp).

NM_000455.5(STK11):c.772del (p.Asp258fs)

Gene: STK11 (serine/threonine kinase 11; plus strand). Cytogenetic location: 19p13.3.
Variant type: Deletion.
Coding change: c.772del on transcript NM_000455.5 (MANE Select); coding-DNA position 772, one base deleted (G; older notation c.772delG).
Protein change: p.Asp258fs; shifts the reading frame from aspartic acid 258.
Molecular consequence: frameshift variant.
Genome position (GRCh38, 1-based): chr19:1,221,250, G deleted; the last of 4 consecutive G bases (chr19:1,221,247-1,221,250); deleting any one gives the same sequence. VCF-style (leftmost placement, unchanged base first): chr19-1221246-AG-A. GRCh37 (hg19) VCF-style: chr19-1221245-AG-A.
Other names: short protein forms D258fs.
Identifiers: ClinVar variation 811295 (VCV000811295.13), dbSNP rs1599927589, ClinGen allele CA915951587.